The following is an entry in ClinVar:

NM_144997.7(FLCN):c.39C>T (p.Leu13=)

Gene: FLCN (folliculin; minus strand). Cytogenetic location: 17p11.2.
Variant type: single nucleotide variant.
Coding change: c.39C>T on transcript NM_144997.7 (MANE Select); coding-DNA position 39, C replaced by T.
Protein change: p.Leu13=; no amino-acid change (leucine 13 retained).
Molecular consequence: synonymous variant.
Genome position (GRCh38, 1-based): chr17:17,228,099, G>A on the plus strand (C>T on the coding strand, the complement: FLCN is on the minus strand). VCF-style: chr17-17228099-G-A. GRCh37 (hg19) VCF-style: chr17-17131413-G-A.
Other names: c.39C>T, p.Leu13= (NM_001353229.2, NM_001353230.2, NM_001353231.2 and 1 more transcripts).
Identifiers: ClinVar variation 1613409 (VCV001613409.11), dbSNP rs2047315618, ClinGen allele CA498421711.
Genomic context (GRCh38, chr17:17,228,099, plus strand): 5'-ATCCCCTTGAGGAAGTGGGGCGTGCAGCACCTCCGTGCAGAAGAGAGTGCGGGGGCCGTG[G>A]AGCTCGCAGAAGTGGCAGAGAGCCACGATGGCATTCATGGTGCCTTGGAGACTGCAACAG-3'
Protein context (NP_659434.2, residues 3-23): AIVALCHFCE[Leu13=]HGPRTLFCTE

ClinVar aggregate classification (germline): Benign/Likely benign. Review status: criteria provided, multiple submitters, no conflicts (2 of 4 stars). 3 submissions from 3 submitters: Benign (1); Likely benign (2). Last evaluated 2025-04-07.

Conditions:
Birt-Hogg-Dube syndrome. Also called: Birt Hogg Dubé syndrome. Identifiers: Orphanet 122, MedGen C0346010, MONDO:0800444.
Birt-Hogg-Dube syndrome 1 (BHD1). Also called: FIBROFOLLICULOMAS WITH TRICHODISCOMAS AND ACROCHORDONS. Identifiers: Orphanet 122, MedGen CN375946, MONDO:0800445, OMIM 135150.
Hereditary cancer-predisposing syndrome. Also called: Neoplastic Syndromes, Hereditary; Hereditary neoplastic syndrome; Tumor predisposition; Hereditary Cancer Syndrome. Identifiers: Orphanet 140162, MedGen C0027672, MeSH D009386, MONDO:0015356.

Allele frequency attached by ClinVar (database versions not stated): TOPMed 0.00001.

Submissions (3):

Labcorp Genetics (formerly Invitae), Labcorp
Classification: Likely benign for Birt-Hogg-Dube syndrome. Last evaluated: 2025-04-07. Review status: criteria provided, single submitter. Criteria: Invitae Variant Classification Sherloc (09022015). Collection method: clinical testing. Allele origin: germline.

Myriad Genetics, Inc.
Classification: Benign for Birt-Hogg-Dube syndrome 1. Last evaluated: 2024-10-22. Review status: criteria provided, single submitter. Criteria: Myriad Autosomal Dominant, Autosomal Recessive and X-Linked Classification Criteria (2023). Collection method: clinical testing. Allele origin: unknown.
Comment: This variant is considered benign. This variant is a silent/synonymous amino acid change and it is not expected to impact splicing.

Ambry Genetics
Classification: Likely benign for Hereditary cancer-predisposing syndrome. Last evaluated: 2020-08-07. Review status: criteria provided, single submitter. Criteria: Ambry Variant Classification Scheme 2023. Collection method: clinical testing. Allele origin: germline.